The following is an entry in ClinVar:

NM_000552.5(VWF):c.1583A>G (p.Asn528Ser)

Gene: VWF (von Willebrand factor; minus strand). Cytogenetic location: 12p13.31.
Variant type: single nucleotide variant.
Coding change: c.1583A>G on transcript NM_000552.5 (MANE Select); coding-DNA position 1583, A replaced by G.
Protein change: p.Asn528Ser; replaces asparagine 528 with serine.
Molecular consequence: missense variant.
Genome position (GRCh38, 1-based): chr12:6,057,995, T>C on the plus strand (A>G on the coding strand, the complement: VWF is on the minus strand). VCF-style: chr12-6057995-T-C. GRCh37 (hg19) VCF-style: chr12-6167161-T-C.
Other names: NM_000552.4(VWF):c.1583A>G; short protein forms N528S.
Identifiers: ClinVar variation 318 (VCV000000318.3), dbSNP rs61754010, ClinGen allele CA114178.

ClinVar aggregate classification (germline): Pathogenic. Review status: reviewed by expert panel (3 of 4 stars). 4 submissions from 4 submitters: Pathogenic (1). 3 of the submissions do not count toward it. Last evaluated 2024-08-13.

Conditions:
von Willebrand disease type 2 (VWD2). Also called: VWD, TYPE 2; VON WILLEBRAND DISEASE, TYPE II; VON WILLEBRAND DISEASE, TYPE 2A/IIE; VON WILLEBRAND DISEASE, TYPE 2CB. Identifiers: Orphanet 166081, Orphanet 903, MedGen C1264040, MONDO:0013304, OMIM 613554.
Von Willebrand disease type 2A. Identifiers: Orphanet 166084, MedGen C1282968, MONDO:0015628. Inheritance: Autosomal recessive or autosomal dominant.

Allele frequency attached by ClinVar (database versions not stated): gnomAD exomes below 0.00001; ExAC 0.00001.

Submissions (4):

ClinGen von Willebrand Disease Variant Curation Expert Panel, ClinGen
Classification: Pathogenic for Von Willebrand disease type 2A. Last evaluated: 2024-08-13. Review status: reviewed by expert panel. Criteria: ClinGen VWD 2A B M Rules. Collection method: curation. Allele origin: germline. Inheritance: Autosomal recessive inheritance.
Comment: The NM_000552.4(VWF):c.1583A>G variant in VWF is a missense variant predicted to cause substitution of asparagine by serine at amino acid 528. This variant is absent from gnomAD v4.1 (PM2_Supporting). This variant has been reported homozygous in two homozygous (PM3) probands meeting the VWD type 2A phenotypic criteria (PP4_moderate, PS4_suporting; PMID: 20335223; 9714529). The variant was found to co-segregate with disease in multiple affected family members, with 3 meioses observed in one family (PP1; PMID: 20335223). There is evidence of defective VWF storage with no response to desmopressin and very little VWF:Ag released after administration. Expression in 293 EBNA cells showed that homozygous N528S-VWF secretion was 7.5% of WT, with a multimer pattern lacking medium and HMWMs (PMID: 20335223 Fig. 4; PS3). Expression in AtT-20 cells showed that the N528S-VWF is not multimerized and is not trafficked to storage granules. In summary, this variant meets the criteria to be classified as pathogenic for von Willebrand disease type 2A. ACMG/AMP criteria applied, as specified by the ClinGen von Willebrand disease Variant Curation Expert Panel: PM2_supporting, PP4_moderate, PM3, PP1, PS3.

Angelo Bianchi Bonomi Hemophilia and Thrombosis Center, Fondazione IRCCS Ca Granda Ospedale Maggiore Policlinico
Classification: Likely pathogenic for von Willebrand disease type 2. Last evaluated: 2022-04-26. Review status: no assertion criteria provided. Collection method: clinical testing. Allele origin: germline. Affected: yes. Not counted in ClinVar's aggregate classification.

OMIM
Classification: Pathogenic for VON WILLEBRAND DISEASE, TYPE 2A. Last evaluated: 2010-06-03. Review status: no assertion criteria provided. Collection method: literature only. Allele origin: germline. Not counted in ClinVar's aggregate classification.

Academic Unit of Haematology, University of Sheffield
No classification provided. Review status: no classification provided. Collection method: not provided. Allele origin: not provided. Not counted in ClinVar's aggregate classification.

Literature cited by the submitters: PubMed 20335223 (cited by OMIM).